The following is an entry in ClinVar:

ClinVar aggregate classification (germline): Uncertain significance. Review status: criteria provided, multiple submitters, no conflicts (2 of 4 stars). 8 submissions from 7 submitters: Uncertain significance (6). 2 of the submissions do not count toward it. Last evaluated 2024-12-04.

Conditions:
Autosomal recessive nonsyndromic hearing loss 12. Also called: DEAFNESS, AUTOSOMAL RECESSIVE 12. Identifiers: Orphanet 90636, MedGen C1832394, MONDO:0011067, OMIM 601386.
Retinal dystrophy. Also called: Inherited retinal dystrophy. Identifiers: Orphanet 71862, MedGen C0854723, MeSH D058499, MONDO:0019118, HP:0000556.
Usher syndrome type 1D (USH1D). Also called: USHER SYNDROME, TYPE ID. Identifiers: Orphanet 231169, Orphanet 886, MedGen C1832845, MONDO:0010984, OMIM 601067.
Usher syndrome type 1 (USH1). Also called: RETINITIS PIGMENTOSA AND CONGENITAL DEAFNESS. Identifiers: Orphanet 231169, Orphanet 886, MedGen C1568247, MONDO:0010168, OMIM 276900.

Allele frequency attached by ClinVar (database versions not stated): gnomAD exomes 0.00003 and 0.00006; gnomAD 0.00006; TOPMed 0.00006; ExAC 0.00007.
gnomAD v4.1: 46 of 1,613,726 alleles (0.0029%); highest among the groups gnomAD compares: Admixed American, 0.012%; no homozygotes.

Submissions (8):

GeneDx
Classification: Uncertain significance. Last evaluated: 2024-12-04. Review status: criteria provided, single submitter. Criteria: GeneDx Variant Classification Process June 2021. Collection method: clinical testing. Allele origin: germline. Affected: yes.
Comment: In silico analysis indicates that this missense variant does not alter protein structure/function; Has not been previously published as pathogenic or benign to our knowledge

Blueprint Genetics
Classification: Uncertain significance. Last evaluated: 2024-11-20. Review status: criteria provided, single submitter. Criteria: ACMG Guidelines, 2015. Collection method: clinical testing. Allele origin: germline.

Labcorp Genetics (formerly Invitae), Labcorp
Classification: Uncertain significance. Last evaluated: 2022-06-13. Review status: criteria provided, single submitter. Criteria: Invitae Variant Classification Sherloc (09022015). Collection method: clinical testing. Allele origin: germline.
Comment: This sequence change replaces glutamic acid, which is acidic and polar, with lysine, which is basic and polar, at codon 851 of the CDH23 protein (p.Glu851Lys). This variant is present in population databases (rs771795434, gnomAD 0.02%). This variant has not been reported in the literature in individuals affected with CDH23-related conditions. ClinVar contains an entry for this variant (Variation ID: 517319). Algorithms developed to predict the effect of missense changes on protein structure and function are either unavailable or do not agree on the potential impact of this missense change (SIFT: "Deleterious"; PolyPhen-2: "Not Available"; Align-GVGD: "Class C55"). In summary, the available evidence is currently insufficient to determine the role of this variant in disease. Therefore, it has been classified as a Variant of Uncertain Significance.

Genome-Nilou Lab
Classification: Uncertain significance for Autosomal recessive nonsyndromic hearing loss 12. Last evaluated: 2021-07-14. Review status: criteria provided, single submitter. Criteria: ACMG Guidelines, 2015. Collection method: clinical testing. Allele origin: germline. Affected: no.

Genome-Nilou Lab
Classification: Uncertain significance for Usher syndrome type 1D. Last evaluated: 2021-07-14. Review status: criteria provided, single submitter. Criteria: ACMG Guidelines, 2015. Collection method: clinical testing. Allele origin: germline. Affected: no.

Laboratory for Molecular Medicine, Mass General Brigham Personalized Medicine
Classification: Uncertain significance. Last evaluated: 2017-03-28. Review status: criteria provided, single submitter. Criteria: LMM Criteria. Collection method: clinical testing. Allele origin: germline. Observed: 1 variant allele.
Comment: The p.Glu851Lys variant in CDH23 has not been previously reported in individuals with hearing loss, but has been identified in 5/11572 Latino chromosomes by the Exome Aggregation Consortium (ExAC; dbSNP rs771 795434). Computational prediction tools and conservation analysis do not provide strong support for or against an impact to the protein. In summary, the clinica l significance of the p.Glu851Lys variant is uncertain.

Institute of Human Genetics, Univ. Regensburg, Univ. Regensburg
Classification: Uncertain significance for Retinal dystrophy. Last evaluated: 2023-01-01. Review status: no assertion criteria provided. Criteria: ACMG Guidelines, 2015. Collection method: clinical testing. Allele origin: germline. Affected: yes. Not counted in ClinVar's aggregate classification.

Natera, Inc.
Classification: Uncertain significance for Usher syndrome type 1. Last evaluated: 2019-10-28. Review status: no assertion criteria provided. Collection method: clinical testing. Allele origin: germline. Not counted in ClinVar's aggregate classification.

NM_022124.6(CDH23):c.2551G>A (p.Glu851Lys)

Gene: CDH23 (cadherin related 23; plus strand). Cytogenetic location: 10q22.1.
Variant type: single nucleotide variant.
Coding change: c.2551G>A on transcript NM_022124.6 (MANE Select); coding-DNA position 2551, G replaced by A.
Protein change: p.Glu851Lys; replaces glutamic acid 851 with lysine.
Molecular consequence: missense variant.
Genome position (GRCh38, 1-based): chr10:71,702,175, G>A. VCF-style: chr10-71702175-G-A. GRCh37 (hg19) VCF-style: chr10-73461932-G-A.
Other names: c.2551G>A, p.Glu851Lys (NM_001171930.2, NM_001171931.2); short protein forms E851K.
Identifiers: ClinVar variation 517319 (VCV000517319.12), dbSNP rs771795434, ClinGen allele CA5544246.